The following is an entry in ClinVar:

ClinVar aggregate classification (germline): Likely benign. Review status: criteria provided, multiple submitters, no conflicts (2 of 4 stars). 3 submissions from 3 submitters: Likely benign (2). 1 of the submissions does not count toward it. Last evaluated 2025-04-26.

Conditions:
Aicardi-Goutieres syndrome 5. Identifiers: Orphanet 51, MedGen C2749659, MONDO:0013059, OMIM 612952.
SAMHD1-related disorder. Also called: SAMHD1-related condition.

Allele frequency attached by ClinVar (database versions not stated): ExAC 0.00001; gnomAD 0.00001; gnomAD exomes 0.00001; TOPMed 0.00001; 1000 Genomes Project 30x 0.00016; 1000 Genomes Project 0.00020.
gnomAD v4.1: 5 of 1,612,928 alleles (0.00031%); highest among the groups gnomAD compares: East Asian, 0.0022%; no homozygotes.

Submissions (3):

Labcorp Genetics (formerly Invitae), Labcorp
Classification: Likely benign for Aicardi-Goutieres syndrome 5. Last evaluated: 2025-04-26. Review status: criteria provided, single submitter. Criteria: Invitae Variant Classification Sherloc (09022015). Collection method: clinical testing. Allele origin: germline.

Blueprint Genetics
Classification: Likely benign. Last evaluated: 2022-12-05. Review status: criteria provided, single submitter. Criteria: ACMG Guidelines, 2015. Collection method: clinical testing. Allele origin: germline.

PreventionGenetics, part of Exact Sciences
Classification: Likely benign for SAMHD1-related condition. Last evaluated: 2024-05-21. Review status: no assertion criteria provided. Collection method: clinical testing. Allele origin: germline. Not counted in ClinVar's aggregate classification.
Comment: This variant is classified as likely benign based on ACMG/AMP sequence variant interpretation guidelines (Richards et al. 2015 PMID: 25741868, with internal and published modifications).

NM_015474.4(SAMHD1):c.1350C>T (p.Tyr450=)

Gene: SAMHD1 (SAM and HD domain containing deoxynucleoside triphosphate triphosphohydrolase 1; minus strand). Cytogenetic location: 20q11.23.
Variant type: single nucleotide variant.
Coding change: c.1350C>T on transcript NM_015474.4 (MANE Select); coding-DNA position 1350, C replaced by T.
Protein change: p.Tyr450=; no amino-acid change (tyrosine 450 retained).
Molecular consequence: synonymous variant.
Genome position (GRCh38, 1-based): chr20:36,905,424, G>A on the plus strand (C>T on the coding strand, the complement: SAMHD1 is on the minus strand). VCF-style: chr20-36905424-G-A. GRCh37 (hg19) VCF-style: chr20-35533827-G-A.
Other names: c.1350C>T, p.Tyr450= (NM_001363729.2, NM_001363733.2).
Identifiers: ClinVar variation 766164 (VCV000766164.11), dbSNP rs537446646, ClinGen allele CA9844529.